The following is an entry in ClinVar:

ClinVar aggregate classification (germline): Conflicting classifications of pathogenicity. Review status: criteria provided, conflicting classifications (1 of 4 stars). 3 submissions from 3 submitters: Uncertain significance (2); Likely benign (1). Last evaluated 2025-02-19.

Conditions:
Retinal dystrophy. Also called: Inherited retinal dystrophy. Identifiers: Orphanet 71862, MedGen C0854723, MeSH D058499, MONDO:0019118, HP:0000556.

Allele frequency attached by ClinVar (database versions not stated): gnomAD 0.00001 and 0.00002.
gnomAD v4.1: 104 of 1,611,202 alleles (0.0065%); highest among the groups gnomAD compares: East Asian, 0.23%; 1 homozygote.

Submissions (3):

Labcorp Genetics (formerly Invitae), Labcorp
Classification: Uncertain significance. Last evaluated: 2025-02-19. Review status: criteria provided, single submitter. Criteria: Invitae Variant Classification Sherloc (09022015). Collection method: clinical testing. Allele origin: germline.
Comment: This sequence change replaces asparagine, which is neutral and polar, with lysine, which is basic and polar, at codon 1971 of the RP1 protein (p.Asn1971Lys). This variant is present in population databases (no rsID available, gnomAD no frequency). This missense change has been observed in individual(s) with clinical features of retinitis pigmentosa (PMID: 33946315, 34073704, 34721897). ClinVar contains an entry for this variant (Variation ID: 1060202). An algorithm developed to predict the effect of missense changes on protein structure and function (PolyPhen-2) suggests that this variant is likely to be tolerated. In summary, the available evidence is currently insufficient to determine the role of this variant in disease. Therefore, it has been classified as a Variant of Uncertain Significance.

Dept Of Ophthalmology, Nagoya University
Classification: Likely benign for Retinal dystrophy. Last evaluated: 2023-10-01. Review status: criteria provided, single submitter. Criteria: Submitter's publication. Collection method: research. Allele origin: germline. Affected: yes.

Blueprint Genetics
Classification: Uncertain significance. Last evaluated: 2022-10-05. Review status: criteria provided, single submitter. Criteria: ACMG Guidelines, 2015. Collection method: clinical testing. Allele origin: germline.

Literature cited by the submitters: PubMed 33946315 (cited by Labcorp Genetics (formerly Invitae), Labcorp); PubMed 34073704 (cited by Labcorp Genetics (formerly Invitae), Labcorp); PubMed 34721897 (cited by Labcorp Genetics (formerly Invitae), Labcorp).

NM_006269.2(RP1):c.5913C>A (p.Asn1971Lys)

Genes: RP1 (RP1 axonemal microtubule associated; plus strand), LOC126860392 (CDK7 strongly-dependent group 2 enhancer GRCh37_chr8:55541319-55542518; plus strand). Cytogenetic location: 8q12.1.
Variant type: single nucleotide variant.
Coding change: c.5913C>A on transcript NM_006269.2 (MANE Select); coding-DNA position 5913, C replaced by A.
Protein change: p.Asn1971Lys; replaces asparagine 1971 with lysine.
Molecular consequence: missense variant. On other transcripts: intron variant (1).
Genome position (GRCh38, 1-based): chr8:54,629,795, C>A. VCF-style: chr8-54629795-C-A. GRCh37 (hg19) VCF-style: chr8-55542355-C-A.
Other names: c.787+7507C>A (NM_001375654.1); short protein forms N1971K.
Identifiers: ClinVar variation 1060202 (VCV001060202.9), dbSNP rs754290174, ClinGen allele CA177184261.
Genomic context (GRCh38, chr8:54,629,795, plus strand): 5'-ATGGATGAAAATACACCCATATTTACTTCAGACAGACAAAAATGTGTTCAGGGAAGAGAA[C>A]AATAAAGCAAGTATGAGACAAAATCTTATTGATAATGCCATTGGTGATATATTTGATCAG-3'
Protein context (NP_006260.1, residues 1961-1981): QTDKNVFREE[Asn1971Lys]NKASMRQNLI